The following is an entry in ClinVar:

NM_002972.4(SBF1):c.5420G>A (p.Arg1807His)

Gene: SBF1 (SET binding factor 1; minus strand). Cytogenetic location: 22q13.33.
Variant type: single nucleotide variant.
Coding change: c.5420G>A on transcript NM_002972.4 (MANE Select); coding-DNA position 5420, G replaced by A.
Protein change: p.Arg1807His; replaces arginine 1807 with histidine.
Molecular consequence: missense variant.
Genome position (GRCh38, 1-based): chr22:50,447,553, C>T on the plus strand (G>A on the coding strand, the complement: SBF1 is on the minus strand). VCF-style: chr22-50447553-C-T. GRCh37 (hg19) VCF-style: chr22-50885982-C-T.
Other names: c.5345G>A, p.Arg1782His (NM_001365819.1); c.5420G>A (NM_002972.2); short protein forms R1782H, R1807H.
Identifiers: ClinVar variation 1397112 (VCV001397112.10), dbSNP rs745958012, ClinGen allele CA10315869.

ClinVar aggregate classification (germline): Uncertain significance. Review status: criteria provided, multiple submitters, no conflicts (2 of 4 stars). 3 submissions from 3 submitters: Uncertain significance (3). Last evaluated 2024-07-17.

Allele frequency attached by ClinVar (database versions not stated): ExAC 0.00001; gnomAD 0.00001; gnomAD exomes 0.00001; TOPMed 0.00001.
gnomAD v4.1: 8 of 1,613,298 alleles (0.0005%); highest among the groups gnomAD compares: Admixed American, 0.0083%; no homozygotes.

Submissions (3):

Ambry Genetics
Classification: Uncertain significance. Last evaluated: 2024-07-17. Review status: criteria provided, single submitter. Criteria: Ambry Variant Classification Scheme 2023. Collection method: clinical testing. Allele origin: germline.

Blueprint Genetics
Classification: Uncertain significance. Last evaluated: 2024-04-22. Review status: criteria provided, single submitter. Criteria: ACMG Guidelines, 2015. Collection method: clinical testing. Allele origin: germline.

Labcorp Genetics (formerly Invitae), Labcorp
Classification: Uncertain significance. Last evaluated: 2021-04-13. Review status: criteria provided, single submitter. Criteria: Invitae Variant Classification Sherloc (09022015). Collection method: clinical testing. Allele origin: germline.
Comment: This sequence change replaces arginine with histidine at codon 1807 of the SBF1 protein (p.Arg1807His). The arginine residue is moderately conserved and there is a small physicochemical difference between arginine and histidine. In summary, the available evidence is currently insufficient to determine the role of this variant in disease. Therefore, it has been classified as a Variant of Uncertain Significance. Algorithms developed to predict the effect of missense changes on protein structure and function are either unavailable or do not agree on the potential impact of this missense change (SIFT: "Deleterious"; PolyPhen-2: "Probably Damaging"; Align-GVGD: "Class C0"). This variant has not been reported in the literature in individuals with SBF1-related conditions. This variant is present in population databases (rs745958012, ExAC 0.009%).